The following is an entry in ClinVar:

ClinVar aggregate classification (germline): Uncertain significance. Review status: criteria provided, multiple submitters, no conflicts (2 of 4 stars). 5 submissions from 5 submitters: Uncertain significance (4). 1 of the submissions does not count toward it. Last evaluated 2024-10-28.

Conditions:
Cardiovascular phenotype. Identifiers: MedGen CN230736.
Duchenne muscular dystrophy (DMD). Also called: MUSCULAR DYSTROPHY, PSEUDOHYPERTROPHIC PROGRESSIVE, DUCHENNE TYPE; Duchenne Muscular Dystrophy (DMD). Identifiers: Orphanet 98896, MedGen C0013264, MONDO:0010679, OMIM 310200.
Dystrophin deficiency.
Becker muscular dystrophy (BMD). Also called: MUSCULAR DYSTROPHY, PSEUDOHYPERTROPHIC PROGRESSIVE, BECKER TYPE; Becker Muscular Dystrophy (BMD). Identifiers: Orphanet 98895, MedGen C0917713, MONDO:0010311, OMIM 300376.
Cardiomyopathy (CMYO). Also called: Cardiomyopathies. Identifiers: Orphanet 167848, MedGen C0878544, MONDO:0004994, HP:0001638. Inheritance: Various modes of inheritance.
Dilated cardiomyopathy 3B (CMD3B). Also called: CMD3B: DMD-Related Dilated Cardiomyopathy; CARDIOMYOPATHY, DILATED, X-LINKED; DMD-Associated Dilated Cardiomyopathy. Identifiers: Orphanet 154, MedGen C3668940, MONDO:0010542, OMIM 302045.

Allele frequency attached by ClinVar (database versions not stated): TOPMed below 0.00001; gnomAD exomes 0.00001.
gnomAD v4.1: 14 of 1,206,640 alleles (0.0012%); highest among the groups gnomAD compares: Admixed American, 0.0022%; no homozygotes.

Submissions (5):

Labcorp Genetics (formerly Invitae), Labcorp
Classification: Uncertain significance for Duchenne muscular dystrophy. Last evaluated: 2024-10-28. Review status: criteria provided, single submitter. Criteria: Invitae Variant Classification Sherloc (09022015). Collection method: clinical testing. Allele origin: germline.
Comment: This sequence change replaces arginine, which is basic and polar, with histidine, which is basic and polar, at codon 1719 of the DMD protein (p.Arg1719His). The frequency data for this variant in the population databases is considered unreliable, as metrics indicate poor data quality at this position in the gnomAD database. This variant has not been reported in the literature in individuals affected with DMD-related conditions. ClinVar contains an entry for this variant (Variation ID: 962729). An algorithm developed to predict the effect of missense changes on protein structure and function outputs the following: PolyPhen-2: "Benign". The histidine amino acid residue is found in multiple mammalian species, which suggests that this missense change does not adversely affect protein function. In summary, the available evidence is currently insufficient to determine the role of this variant in disease. Therefore, it has been classified as a Variant of Uncertain Significance.

Ambry Genetics
Classification: Uncertain significance for Cardiovascular phenotype. Last evaluated: 2023-08-31. Review status: criteria provided, single submitter. Criteria: Ambry Variant Classification Scheme 2023. Collection method: clinical testing. Allele origin: germline.
Comment: The p.R1719H variant (also known as c.5156G>A), located in coding exon 37 of the DMD gene, results from a G to A substitution at nucleotide position 5156. The arginine at codon 1719 is replaced by histidine, an amino acid with highly similar properties. Based on data from gnomAD, the A allele has an overall frequency of 0.0011% (2/174237) total alleles studied, with 2 hemizygote(s) observed. The highest observed frequency was 0.0075% (2/26582) of Latino alleles. This amino acid position is well conserved in available vertebrate species. In addition, this alteration is predicted to be tolerated by in silico analysis. Since supporting evidence is limited at this time, the clinical significance of this alteration remains unclear.

Clinical Genetics Laboratory, Skane University Hospital Lund
Classification: Uncertain significance. Last evaluated: 2022-10-20. Review status: criteria provided, single submitter. Criteria: ACMG Guidelines, 2015. Collection method: clinical testing. Allele origin: germline. Affected: yes.

Fulgent Genetics
Classification: Uncertain significance for Becker muscular dystrophy; Dilated cardiomyopathy 3B; Duchenne muscular dystrophy. Last evaluated: 2021-12-21. Review status: criteria provided, single submitter. Criteria: ACMG Guidelines, 2015. Collection method: clinical testing. Allele origin: unknown.

Natera, Inc.
Classification: Uncertain significance for Becker muscular dystrophy; Cardiomyopathy; Duchenne muscular dystrophy; Dystrophin deficiency. Last evaluated: 2020-04-15. Review status: no assertion criteria provided. Collection method: clinical testing. Allele origin: germline. Not counted in ClinVar's aggregate classification.

NM_004006.3(DMD):c.5156G>A (p.Arg1719His)

Gene: DMD (dystrophin; minus strand). Cytogenetic location: Xp21.1.
Variant type: single nucleotide variant.
Coding change: c.5156G>A on transcript NM_004006.3 (MANE Select); coding-DNA position 5156, G replaced by A.
Protein change: p.Arg1719His; replaces arginine 1719 with histidine.
Molecular consequence: missense variant.
Genome position (GRCh38, 1-based): chrX:32,362,957, C>T on the plus strand (G>A on the coding strand, the complement: DMD is on the minus strand). VCF-style: chrX-32362957-C-T. GRCh37 (hg19) VCF-style: chrX-32381074-C-T.
Other names: c.5132G>A, p.Arg1711His (NM_000109.4); c.5144G>A, p.Arg1715His (NM_004009.3); c.4787G>A, p.Arg1596His (NM_004010.3); c.1133G>A, p.Arg378His (NM_004011.4); c.1124G>A, p.Arg375His (NM_004012.4); short protein forms R1596H, R375H, R378H, R1719H, R1711H, R1715H.
Identifiers: ClinVar variation 962729 (VCV000962729.10), dbSNP rs1273883368, ClinGen allele CA412671393.
Genomic context (GRCh38, chrX:32,362,957, plus strand): 5'-GCTGCTTGGTCACGTGTAGAGTCCACCTTTGGGCGTATGTCATTCAGTTCTGCCTTTAAA[C>T]GCTATATTCCATGAGCAAGAGATAGGACTTGAAGTTAGTAATTAATGAAGGTCAAGATAG-3'
Protein context (NP_003997.2, residues 1709-1729): KPQQKEDVLK[Arg1719His]LKAELNDIRP